The following is an entry in ClinVar:

ClinVar aggregate classification (germline): Likely benign. Review status: criteria provided, multiple submitters, no conflicts (2 of 4 stars). 2 submissions from 2 submitters: Likely benign (2). Last evaluated 2024-10-08.

Conditions:
Familial cancer of breast. Also called: BREAST CANCER, FAMILIAL; Hereditary breast cancer; hereditary breast carcinoma. Identifiers: Orphanet 227535, MedGen C0346153, MONDO:0016419, OMIM 114480. Disease mechanism: loss of function.

Submissions (2):

Myriad Genetics, Inc.
Classification: Likely benign for Familial cancer of breast. Last evaluated: 2024-10-08. Review status: criteria provided, single submitter. Criteria: Myriad Autosomal Dominant, Autosomal Recessive and X-Linked Classification Criteria (2023). Collection method: clinical testing. Allele origin: unknown.
Comment: This variant is considered likely benign. This variant is intronic and is not expected to impact mRNA splicing.

Labcorp Genetics (formerly Invitae), Labcorp
Classification: Likely benign for Familial cancer of breast. Last evaluated: 2022-10-03. Review status: criteria provided, single submitter. Criteria: Invitae Variant Classification Sherloc (09022015). Collection method: clinical testing. Allele origin: germline.

NM_007194.4(CHEK2):c.1375+10T>A

Gene: CHEK2 (checkpoint kinase 2; minus strand). Cytogenetic location: 22q12.1.
Variant type: single nucleotide variant.
Coding change: c.1375+10T>A on transcript NM_007194.4 (MANE Select); 10 bases into the intron after coding-DNA position 1375, T replaced by A.
Molecular consequence: intron variant.
Genome position (GRCh38, 1-based): chr22:28,695,117, A>T on the plus strand (T>A on the coding strand, the complement: CHEK2 is on the minus strand). VCF-style: chr22-28695117-A-T. GRCh37 (hg19) VCF-style: chr22-29091105-A-T.
Other names: c.712+10T>A (NM_001437942.1, NM_001257387.3); c.1174+10T>A (NM_001349956.3); c.1288+10T>A (NM_145862.3); c.1381+10T>A (NM_001438295.1); c.1468+10T>A (NM_001438293.1); c.1417+10T>A (NM_001438294.1); c.1504+10T>A (NM_001005735.3).
Identifiers: ClinVar variation 2033854 (VCV002033854.5), dbSNP rs2052511807, ClinGen allele CA2580099396.